The following is an entry in ClinVar:

NM_000222.3(KIT):c.2597-6T>A

Gene: KIT (KIT proto-oncogene, receptor tyrosine kinase; plus strand). Cytogenetic location: 4q12.
Variant type: single nucleotide variant.
Coding change: c.2597-6T>A on transcript NM_000222.3 (MANE Select); 6 bases into the intron before coding-DNA position 2597, T replaced by A.
Molecular consequence: intron variant.
Genome position (GRCh38, 1-based): chr4:54,736,715, T>A. VCF-style: chr4-54736715-T-A. GRCh37 (hg19) VCF-style: chr4-55602881-T-A.
Other names: c.2600-6T>A (NM_001385284.1); c.2597-6T>A (NM_001385290.1); c.2588-6T>A (NM_001385288.1); c.2585-6T>A (NM_001385292.1, NM_001093772.2); c.2594-6T>A (NM_001385285.1); c.2582-6T>A (NM_001385286.1).
Identifiers: ClinVar variation 458925 (VCV000458925.8), dbSNP rs1367451109, ClinGen allele CA551651698.

ClinVar aggregate classification (germline): Uncertain significance (1 of 4 stars; one submission).

Conditions:
Gastrointestinal stromal tumor. Also called: Gastrointestinal stroma tumor; Gastrointestinal stromal tumor, somatic. Identifiers: Orphanet 44890, MedGen C0238198, MeSH D046152, MONDO:0011719, OMIM 606764, HP:0100723.

Allele frequency attached by ClinVar (database versions not stated): gnomAD exomes below 0.00001.
gnomAD v4.1: 2 of 1,613,556 alleles (0.00012%); highest among the groups gnomAD compares: Non-Finnish European, 0.000085%; no homozygotes.

Submission:

Labcorp Genetics (formerly Invitae), Labcorp
Classification: Uncertain significance for Gastrointestinal stromal tumor. Last evaluated: 2023-06-17. Review status: criteria provided, single submitter. Criteria: Invitae Variant Classification Sherloc (09022015). Collection method: clinical testing. Allele origin: germline.
Comment: ClinVar contains an entry for this variant (Variation ID: 458925). This variant has not been reported in the literature in individuals affected with KIT-related conditions. This variant is present in population databases (no rsID available, gnomAD 0.0009%). This sequence change falls in intron 18 of the KIT gene. It does not directly change the encoded amino acid sequence of the KIT protein. Algorithms developed to predict the effect of sequence changes on RNA splicing suggest that this variant may disrupt the consensus splice site. In summary, the available evidence is currently insufficient to determine the role of this variant in disease. Therefore, it has been classified as a Variant of Uncertain Significance.